The following is an entry in ClinVar:

ClinVar aggregate classification (germline): Uncertain significance (1 of 4 stars; one submission).

Conditions:
Hereditary cancer-predisposing syndrome. Also called: Hereditary Cancer Syndrome; Hereditary neoplastic syndrome; Neoplastic Syndromes, Hereditary; Tumor predisposition. Identifiers: Orphanet 140162, MedGen C0027672, MeSH D009386, MONDO:0015356.

Submission:

Ambry Genetics
Classification: Uncertain significance for Hereditary cancer-predisposing syndrome. Last evaluated: 2025-07-18. Review status: criteria provided, single submitter. Criteria: Ambry Variant Classification Scheme 2023. Collection method: clinical testing. Allele origin: germline.
Comment: The p.S3228N variant (also known as c.9683G>A), located in coding exon 26 of the BRCA2 gene, results from a G to A substitution at nucleotide position 9683. The serine at codon 3228 is replaced by asparagine, an amino acid with highly similar properties. This variant was identified in 1 of 522 individuals with HBOC-related disease and 0 of 2080 apparently healthy Chinese Han individuals (Wu Z et al. BMC Cancer, 2024 Apr;24:411). This amino acid position is not well conserved in available vertebrate species. In addition, this alteration is predicted to be tolerated by in silico analysis. Based on the available evidence, the clinical significance of this variant remains unclear.

Literature cited by the submitters: PubMed 38566028.

NM_000059.4(BRCA2):c.9683G>A (p.Ser3228Asn)

Gene: BRCA2 (BRCA2 DNA repair associated; plus strand). Cytogenetic location: 13q13.1.
Variant type: single nucleotide variant.
Coding change: c.9683G>A on transcript NM_000059.4 (MANE Select); coding-DNA position 9683, G replaced by A.
Protein change: p.Ser3228Asn; replaces serine 3228 with asparagine.
Molecular consequence: missense variant. On other transcripts: non-coding transcript variant (1).
Genome position (GRCh38, 1-based): chr13:32,398,196, G>A. VCF-style: chr13-32398196-G-A. GRCh37 (hg19) VCF-style: chr13-32972333-G-A.
Other names: c.9587G>A, p.Ser3196Asn (NM_001406719.1); c.9632G>A, p.Ser3211Asn (NM_001406720.1); c.4751G>A, p.Ser1584Asn (NM_001406721.1); c.3266G>A, p.Ser1089Asn (NM_001406722.1); c.9683G>A, p.Ser3228Asn (NM_001432077.1); short protein forms S1584N, S3211N, S3228N, S1089N, S3196N.
Identifiers: ClinVar variation 4215854 (VCV004215854.1).